The following is an entry in ClinVar:

ClinVar aggregate classification (germline): Uncertain significance (1 of 4 stars; one submission).

gnomAD v4.1: 5 of 1,612,774 alleles (0.00031%); highest among the groups gnomAD compares: Non-Finnish European, 0.00042%; no homozygotes.

Submission:

ARUP Laboratories, Molecular Genetics and Genomics, ARUP Laboratories
Classification: Uncertain significance. Last evaluated: 2025-03-13. Review status: criteria provided, single submitter. Criteria: ARUP Molecular Germline Variant Investigation Process 2024. Collection method: clinical testing. Allele origin: germline.
Comment: The NOTCH1 c.5585C>T; p.Pro1862Leu variant (rs754163232), to our knowledge, is not reported in the medical literature or gene specific databases. This variant is only observed on one allele in the Genome Aggregation Database (v2.1.1), indicating it is not a common polymorphism, but it is also considered a low confidence variant in the database. Computational analyses are uncertain whether this variant is neutral or deleterious (REVEL: 0.634). Due to limited information, the clinical significance of this variant is uncertain at this time.

NM_017617.5(NOTCH1):c.5585C>T (p.Pro1862Leu)

Gene: NOTCH1 (notch receptor 1; minus strand). Cytogenetic location: 9q34.3.
Variant type: single nucleotide variant.
Coding change: c.5585C>T on transcript NM_017617.5 (MANE Select); coding-DNA position 5585, C replaced by T.
Protein change: p.Pro1862Leu; replaces proline 1862 with leucine.
Molecular consequence: missense variant.
Genome position (GRCh38, 1-based): chr9:136,501,801, G>A on the plus strand (C>T on the coding strand, the complement: NOTCH1 is on the minus strand). VCF-style: chr9-136501801-G-A. GRCh37 (hg19) VCF-style: chr9-139396253-G-A.
Other names: short protein forms P1862L.
Identifiers: ClinVar variation 4685681 (VCV004685681.1).